The following is an entry in ClinVar:

NM_001165963.4(SCN1A):c.5639G>T (p.Gly1880Val)

Genes: SCN1A (sodium voltage-gated channel alpha subunit 1; minus strand), LOC102724058 (uncharacterized LOC102724058; plus strand). Cytogenetic location: 2q24.3.
Variant type: single nucleotide variant.
Coding change: c.5639G>T on transcript NM_001165963.4 (MANE Select); coding-DNA position 5639, G replaced by T.
Protein change: p.Gly1880Val; replaces glycine 1880 with valine.
Molecular consequence: missense variant. On other transcripts: non-coding transcript variant (1).
Genome position (GRCh38, 1-based): chr2:165,991,636, C>A on the plus strand (G>T on the coding strand, the complement: SCN1A is on the minus strand). VCF-style: chr2-165991636-C-A. GRCh37 (hg19) VCF-style: chr2-166848146-C-A.
Other names: c.5555G>T, p.Gly1852Val (NM_001165964.3, NM_001353957.2, NM_001353958.2); c.5639G>T, p.Gly1880Val (NM_001202435.3, NM_001353948.2); c.5606G>T, p.Gly1869Val (NM_001353949.2, NM_001353950.2, NM_001353951.2 and 2 more transcripts); c.5603G>T, p.Gly1868Val (NM_001353954.2, NM_001353955.2); c.5552G>T, p.Gly1851Val (NM_001353960.2); c.3197G>T, p.Gly1066Val (NM_001353961.2); short protein forms G1066V, G1851V, G1852V, G1868V, G1869V, G1880V.
Identifiers: ClinVar variation 4800252 (VCV004800252.1).
Genomic context (GRCh38, chr2:165,991,636, plus strand): 5'-TTGGAAGGATTGGAAGCCATGAATCGCTCTTCCATCTGTATTCGTAGAGCATCCATCTCT[C>A]CACTCTCTCCTAGAACCCGCTTTGTAAAAGCAAATAAGATATCAAGACAGTGGATCCGGT-3'
Protein context (NP_001159435.1, residues 1870-1890): AFTKRVLGES[Gly1880Val]EMDALRIQME

ClinVar aggregate classification (germline): Uncertain significance (1 of 4 stars; one submission).

Conditions:
Early-infantile DEE. Also called: Early infantile epileptic encephalopathy with suppression bursts; Early infantile epileptic encephalopathy; Ohtahara syndrome. Identifiers: Orphanet 1934, MedGen C0393706, MONDO:0800491.

Submission:

Labcorp Genetics (formerly Invitae), Labcorp
Classification: Uncertain significance for Early-infantile DEE. Last evaluated: 2025-10-16. Review status: criteria provided, single submitter. Criteria: Invitae Variant Classification Sherloc (09022015). Collection method: clinical testing. Allele origin: germline.
Comment: This sequence change replaces glycine, which is neutral and non-polar, with valine, which is neutral and non-polar, at codon 1880 of the SCN1A protein (p.Gly1880Val). This variant is not present in population databases (gnomAD no frequency). This variant has not been reported in the literature in individuals affected with SCN1A-related conditions. Invitae Evidence Modeling of protein sequence and biophysical properties (such as structural, functional, and spatial information, amino acid conservation, physicochemical variation, residue mobility, and thermodynamic stability) indicates that this missense variant is expected to disrupt SCN1A protein function with a positive predictive value of 95%. In summary, the available evidence is currently insufficient to determine the role of this variant in disease. Therefore, it has been classified as a Variant of Uncertain Significance.